The following is an entry in ClinVar:

NM_007272.3(CTRC):c.246C>A (p.Tyr82Ter)

Gene: CTRC (chymotrypsin C; plus strand). Cytogenetic location: 1p36.21.
Variant type: single nucleotide variant.
Coding change: c.246C>A on transcript NM_007272.3 (MANE Select); coding-DNA position 246, C replaced by A.
Protein change: p.Tyr82Ter; replaces tyrosine 82 with a stop codon.
Molecular consequence: nonsense.
Genome position (GRCh38, 1-based): chr1:15,442,462, C>A. VCF-style: chr1-15442462-C-A. GRCh37 (hg19) VCF-style: chr1-15768958-C-A.
Other names: short protein forms Y82*.
Identifiers: ClinVar variation 3226059 (VCV003226059.1), dbSNP rs754640545, ClinGen allele CA613291.

ClinVar aggregate classification (germline): Pathogenic (1 of 4 stars; one submission).

Conditions:
Hereditary pancreatitis (PCTT). Also called: Hereditary chronic pancreatitis; PRSS1-Related Hereditary Pancreatitis. Identifiers: Orphanet 676, MedGen C0238339, MONDO:0008185, OMIM 167800.

Allele frequency attached by ClinVar (database versions not stated): gnomAD exomes below 0.00001; gnomAD 0.00001; TOPMed 0.00001.
gnomAD v4.1: 2 of 1,613,588 alleles (0.00012%); highest among the groups gnomAD compares: African/African-American, 0.0027%; no homozygotes.

Submission:

Ambry Genetics
Classification: Pathogenic for Hereditary pancreatitis. Last evaluated: 2023-12-19. Review status: criteria provided, single submitter. Criteria: Ambry Variant Classification Scheme 2023. Collection method: clinical testing. Allele origin: germline.
Comment: The p.Y82* pathogenic mutation (also known as c.246C>A), located in coding exon 4 of the CTRC gene, results from a C to A substitution at nucleotide position 246. This changes the amino acid from a tyrosine to a stop codon within coding exon 4. This alteration is expected to result in loss of function by premature protein truncation or nonsense-mediated mRNA decay. As such, this alteration is interpreted as a disease-causing mutation.